The following is an entry in ClinVar:

NM_003906.5(MCM3AP):c.820T>G (p.Cys274Gly)

Gene: MCM3AP (minichromosome maintenance complex component 3 associated protein; minus strand). Cytogenetic location: 21q22.3.
Variant type: single nucleotide variant.
Coding change: c.820T>G on transcript NM_003906.5 (MANE Select); coding-DNA position 820, T replaced by G.
Protein change: p.Cys274Gly; replaces cysteine 274 with glycine.
Molecular consequence: missense variant.
Genome position (GRCh38, 1-based): chr21:46,284,467, A>C on the plus strand (T>G on the coding strand, the complement: MCM3AP is on the minus strand). VCF-style: chr21-46284467-A-C. GRCh37 (hg19) VCF-style: chr21-47704381-A-C.
Other names: short protein forms C274G.
Identifiers: ClinVar variation 2257464 (VCV002257464.5), dbSNP rs752792381, ClinGen allele CA10077259.

ClinVar aggregate classification (germline): Uncertain significance. Review status: criteria provided, multiple submitters, no conflicts (2 of 4 stars). 2 submissions from 2 submitters: Uncertain significance (2). Last evaluated 2026-01-04.

Conditions:
Inborn genetic diseases. Identifiers: MedGen C0950123, MeSH D030342.

Allele frequency attached by ClinVar (database versions not stated): TOPMed below 0.00001; gnomAD 0.00001; gnomAD exomes 0.00001; ExAC 0.00002.
gnomAD v4.1: 14 of 1,613,782 alleles (0.00087%); highest among the groups gnomAD compares: Non-Finnish European, 0.001%; no homozygotes.

Submissions (3):

Labcorp Genetics (formerly Invitae), Labcorp
Classification: Uncertain significance. Last evaluated: 2026-01-04. Review status: criteria provided, single submitter. Criteria: Invitae Variant Classification Sherloc (09022015). Collection method: clinical testing. Allele origin: germline.
Comment: This sequence change replaces cysteine, which is neutral and slightly polar, with glycine, which is neutral and non-polar, at codon 274 of the MCM3AP protein (p.Cys274Gly). This variant is present in population databases (rs752792381, gnomAD 0.003%). This variant has not been reported in the literature in individuals affected with MCM3AP-related conditions. ClinVar contains an entry for this variant (Variation ID: 2257464). An algorithm developed to predict the effect of missense changes on protein structure and function (PolyPhen-2) suggests that this variant is likely to be tolerated. In summary, the available evidence is currently insufficient to determine the role of this variant in disease. Therefore, it has been classified as a Variant of Uncertain Significance.

Ambry Genetics
Classification: Uncertain significance for Inborn genetic diseases. Last evaluated: 2021-10-26. Review status: criteria provided, single submitter. Criteria: Ambry Variant Classification Scheme 2023. Collection method: clinical testing. Allele origin: germline.

Dr. Peter K. Rogan Lab, Western University
No classification provided (evidence only). Condition: Gastric cancer. Review status: no classification provided. Collection method: in vitro. Allele origin: not applicable. Functional consequence: retained intron. Not counted in ClinVar's aggregate classification.